The following is an entry in ClinVar:

NM_001105206.3(LAMA4):c.4665+6T>C

Gene: LAMA4 (laminin subunit alpha 4; minus strand). Cytogenetic location: 6q21.
Variant type: single nucleotide variant.
Coding change: c.4665+6T>C on transcript NM_001105206.3 (MANE Select); 6 bases into the intron after coding-DNA position 4665, T replaced by C.
Molecular consequence: intron variant.
Genome position (GRCh38, 1-based): chr6:112,120,277, A>G on the plus strand (T>C on the coding strand, the complement: LAMA4 is on the minus strand). VCF-style: chr6-112120277-A-G. GRCh37 (hg19) VCF-style: chr6-112441480-A-G.
Other names: c.4644+6T>C (NM_002290.5, NM_001105207.3).
Identifiers: ClinVar variation 931083 (VCV000931083.3), dbSNP rs1778270384, ClinGen allele CA1139659785.

ClinVar aggregate classification (germline): Uncertain significance (1 of 4 stars; one submission).

Conditions:
Dilated cardiomyopathy 1JJ (CMD1JJ). Identifiers: Orphanet 154, MedGen C3808935, MONDO:0014095, OMIM 615235.

Allele frequency attached by ClinVar (database versions not stated): gnomAD exomes below 0.00001.
gnomAD v4.1: 5 of 1,612,564 alleles (0.00031%); highest among the groups gnomAD compares: South Asian, 0.0022%; no homozygotes.

Submission:

Centre for Mendelian Genomics, University Medical Centre Ljubljana
Classification: Uncertain significance for Dilated cardiomyopathy 1JJ. Last evaluated: 2019-03-01. Review status: criteria provided, single submitter. Criteria: ACMG Guidelines, 2015. Collection method: clinical testing. Allele origin: unknown. Affected: yes.
Comment: This variant was classified as: Uncertain significance. The available evidence on this variant's pathogenicity is insufficient or conflicting. The following ACMG criteria were applied in classifying this variant: PM2,PP3.